The following is an entry in ClinVar:

NM_002890.3(RASA1):c.657A>C (p.Ser219=)

Genes: CCNH (cyclin H; minus strand), RASA1 (RAS p21 protein activator 1; plus strand). Cytogenetic location: 5q14.3.
Variant type: single nucleotide variant.
Coding change: c.657A>C on transcript NM_002890.3 (MANE Select); coding-DNA position 657, A replaced by C.
Protein change: p.Ser219=; no amino-acid change (serine 219 retained).
Molecular consequence: synonymous variant. On other transcripts: intron variant (1).
Genome position (GRCh38, 1-based): chr5:87,331,465, A>C. VCF-style: chr5-87331465-A-C. GRCh37 (hg19) VCF-style: chr5-86627282-A-C.
Other names: c.126A>C, p.Ser42= (NM_022650.3); c.934-18670T>G (NM_001364075.2).
Identifiers: ClinVar variation 4727434 (VCV004727434.2).

ClinVar aggregate classification (germline): Likely benign. Review status: criteria provided, multiple submitters, no conflicts (2 of 4 stars). 2 submissions from 2 submitters: Likely benign (2). Last evaluated 2025-09-19.

Conditions:
Capillary malformation-arteriovenous malformation syndrome. Also called: Capillary malformation-arteriovenous malformation. Identifiers: Orphanet 137667, MedGen C1842180, MONDO:0012016.
RASA1-related disorder. Also called: RASA1-related condition.

Submissions (2):

Labcorp Genetics (formerly Invitae), Labcorp
Classification: Likely benign for Capillary malformation-arteriovenous malformation syndrome. Last evaluated: 2025-09-19. Review status: criteria provided, single submitter. Criteria: Invitae Variant Classification Sherloc (09022015). Collection method: clinical testing. Allele origin: germline.

PreventionGenetics, part of Exact Sciences
Classification: Likely benign for RASA1-related condition. Last evaluated: 2024-10-24. Review status: criteria provided, single submitter. Criteria: ACMG Guidelines, 2015. Collection method: clinical testing. Allele origin: germline.
Comment: This variant is classified as likely benign based on ACMG/AMP sequence variant interpretation guidelines (Richards et al. 2015 PMID: 25741868, with internal and published modifications).